The following is an entry in ClinVar:

NM_001148.6(ANK2):c.5240C>G (p.Pro1747Arg)

Genes: ANK2 (ankyrin 2; plus strand), LOC126807136 (MED14-independent group 3 enhancer GRCh37_chr4:114274931-114276130; plus strand). Cytogenetic location: 4q26.
Variant type: single nucleotide variant.
Coding change: c.5240C>G on transcript NM_001148.6 (MANE Select); coding-DNA position 5240, C replaced by G.
Protein change: p.Pro1747Arg; replaces proline 1747 with arginine.
Molecular consequence: missense variant. On other transcripts: intron variant (68).
Genome position (GRCh38, 1-based): chr4:113,353,858, C>G. VCF-style: chr4-113353858-C-G. GRCh37 (hg19) VCF-style: chr4-114275014-C-G.
Other names: c.5006C>G, p.Pro1669Arg (NM_001386142.1); c.1640C>G, p.Pro547Arg (NM_001386166.1); c.5381C>G, p.Pro1794Arg (NM_001386174.1); c.5357C>G, p.Pro1786Arg (NM_001386175.1); c.4411+3609C>G (NM_001386186.2, NM_001386148.2); c.4213+3609C>G (NM_001354269.3); c.4291+3609C>G (NM_001386187.2); c.4252+3609C>G (NM_001386147.1); and 35 more; short protein forms P1747R, P1669R, P1786R, P1794R, P547R.
Identifiers: ClinVar variation 263614 (VCV000263614.21), dbSNP rs200628845, ClinGen allele CA3051194.

ClinVar aggregate classification (germline): Likely benign. Review status: criteria provided, multiple submitters, no conflicts (2 of 4 stars). 6 submissions from 6 submitters: Likely benign (6). Last evaluated 2026-01-20.

Conditions:
Cardiovascular phenotype. Identifiers: MedGen CN230736.
Long QT syndrome (LQTS). Identifiers: MedGen C0023976, MeSH D008133, MONDO:0002442. Disease mechanism: loss of function. Inheritance: Various modes of inheritance.
Cardiac arrhythmia, ankyrin-B-related. Also called: ANKYRIN-B SYNDROME. Identifiers: Orphanet 101016, Orphanet 768, MedGen C1970119, MONDO:0010958, OMIM 600919.

Allele frequency attached by ClinVar (database versions not stated): gnomAD exomes 0.00011 and 0.00034; gnomAD 0.00019 and 0.00020; 1000 Genomes Project 0.00020; ExAC 0.00025; TOPMed 0.00028; 1000 Genomes Project 30x 0.00031.
gnomAD v4.1: 187 of 1,613,974 alleles (0.012%); highest among the groups gnomAD compares: Admixed American, 0.17%; 1 homozygote.

Submissions (6):

Labcorp Genetics (formerly Invitae), Labcorp
Classification: Likely benign for Long QT syndrome. Last evaluated: 2026-01-20. Review status: criteria provided, single submitter. Criteria: Invitae Variant Classification Sherloc (09022015). Collection method: clinical testing. Allele origin: germline.

Blueprint Genetics
Classification: Likely benign. Last evaluated: 2024-09-09. Review status: criteria provided, single submitter. Criteria: ACMG Guidelines, 2015. Collection method: clinical testing. Allele origin: germline.

Women's Health and Genetics/Laboratory Corporation of America, LabCorp
Classification: Likely benign. Last evaluated: 2021-06-14. Review status: criteria provided, single submitter. Criteria: LabCorp Variant Classification Summary - May 2015. Collection method: clinical testing. Allele origin: germline.
Comment: Variant summary: ANK2 c.5240C>G (p.Pro1747Arg) results in a non-conservative amino acid change in the encoded protein sequence. Four of five in-silico tools predict a benign effect of the variant on protein function. The variant allele was found at a frequency of 0.00034 in 250112 control chromosomes, predominantly at a frequency of 0.0017 within the Latino subpopulation in the gnomAD database. The observed variant frequency within Latino control individuals in the gnomAD database is approximately 255-fold of the estimated maximal expected allele frequency for a pathogenic variant in ANK2 causing Long QT Syndrome phenotype (6.7e-06), strongly suggesting that the variant is a benign polymorphism found primarily in populations of Latino origin. To our knowledge, no occurrence of c.5240C>G in individuals affected with Long QT Syndrome and no experimental evidence demonstrating its impact on protein function have been reported. Four ClinVar submitters (evaluation after 2014) cite the variant as likely benign. Based on the evidence outlined above, the variant was classified as likely benign.

GeneDx
Classification: Likely benign. Last evaluated: 2021-02-04. Review status: criteria provided, single submitter. Criteria: GeneDx Variant Classification Process June 2021. Collection method: clinical testing. Allele origin: germline. Affected: yes.

Ambry Genetics
Classification: Likely benign for Cardiovascular phenotype. Last evaluated: 2018-04-27. Review status: criteria provided, single submitter. Criteria: Ambry Variant Classification Scheme 2023. Collection method: clinical testing. Allele origin: germline.

Illumina Laboratory Services, Illumina
Classification: Likely benign for Cardiac arrhythmia, ankyrin-B-related. Last evaluated: 2018-01-13. Review status: criteria provided, single submitter. Criteria: ICSL Variant Classification Criteria 13 December 2019. Collection method: clinical testing. Allele origin: germline.
Comment: This variant was observed in the ICSL laboratory as part of a predisposition screen in an ostensibly healthy population. It had not been previously curated by ICSL or reported in the Human Gene Mutation Database (HGMD: prior to June 1st, 2018), and was therefore a candidate for classification through an automated scoring system. Utilizing variant allele frequency, disease prevalence and penetrance estimates, and inheritance mode, an automated score was calculated to assess if this variant is too frequent to cause the disease. Based on the score and internal cut-off values, a variant classified as likely benign is not then subjected to further curation. The score for this variant resulted in a classification of likely benign for this disease.